The following is an entry in ClinVar:

ClinVar aggregate classification (germline): Uncertain significance (1 of 4 stars; one submission).

Conditions:
DICER1-related tumor predisposition. Also called: DICER1-related pleuropulmonary blastoma cancer predisposition syndrome; DICER1 syndrome. Identifiers: Orphanet 284343, MedGen C3839822, MONDO:0100216.

Submission:

Labcorp Genetics (formerly Invitae), Labcorp
Classification: Uncertain significance for DICER1-related tumor predisposition. Last evaluated: 2023-04-06. Review status: criteria provided, single submitter. Criteria: Invitae Variant Classification Sherloc (09022015). Collection method: clinical testing. Allele origin: germline.
Comment: This variant is not present in population databases (gnomAD no frequency). This sequence change replaces threonine, which is neutral and polar, with isoleucine, which is neutral and non-polar, at codon 1550 of the DICER1 protein (p.Thr1550Ile). This variant has not been reported in the literature in individuals affected with DICER1-related conditions. Advanced modeling of protein sequence and biophysical properties (such as structural, functional, and spatial information, amino acid conservation, physicochemical variation, residue mobility, and thermodynamic stability) performed at Invitae indicates that this missense variant is expected to disrupt DICER1 protein function. In summary, the available evidence is currently insufficient to determine the role of this variant in disease. Therefore, it has been classified as a Variant of Uncertain Significance.

NM_177438.3(DICER1):c.4649C>T (p.Thr1550Ile)

Gene: DICER1 (dicer 1, ribonuclease III; minus strand). Cytogenetic location: 14q32.13.
Variant type: single nucleotide variant.
Coding change: c.4649C>T on transcript NM_177438.3 (MANE Select); coding-DNA position 4649, C replaced by T.
Protein change: p.Thr1550Ile; replaces threonine 1550 with isoleucine.
Molecular consequence: missense variant. On other transcripts: non-coding transcript variant (6).
Genome position (GRCh38, 1-based): chr14:95,096,271, G>A on the plus strand (C>T on the coding strand, the complement: DICER1 is on the minus strand). VCF-style: chr14-95096271-G-A. GRCh37 (hg19) VCF-style: chr14-95562608-G-A.
Other names: c.4649C>T, p.Thr1550Ile (NM_001195573.1, NM_001271282.3, NM_001291628.2 and 13 more transcripts); c.4367C>T, p.Thr1456Ile (NM_001395686.1); c.4244C>T, p.Thr1415Ile (NM_001395687.1, NM_001395688.1, NM_001395689.1 and 2 more transcripts); c.4082C>T, p.Thr1361Ile (NM_001395691.1); c.2966C>T, p.Thr989Ile (NM_001395697.1); short protein forms T1361I, T1550I, T1456I, T989I, T1415I.
Identifiers: ClinVar variation 2851304 (VCV002851304.3), dbSNP rs1435663556, ClinGen allele CA390867609.